The following is an entry in ClinVar:

ClinVar aggregate classification (germline): Likely benign (1 of 4 stars; one submission).

Allele frequency attached by ClinVar (database versions not stated): gnomAD exomes below 0.00001.
gnomAD v4.1: 1 of 1,597,210 alleles (0.000063%); highest among the groups gnomAD compares: Non-Finnish European, 0.000085%; no homozygotes.

Submission:

GeneDx
Classification: Likely benign. Last evaluated: 2016-11-29. Review status: criteria provided, single submitter. Criteria: GeneDx Variant Classification (06012015). Collection method: clinical testing. Allele origin: germline. Affected: yes.
Comment: This variant is considered likely benign or benign based on one or more of the following criteria: it is a conservative change, it occurs at a poorly conserved position in the protein, it is predicted to be benign by multiple in silico algorithms, and/or has population frequency not consistent with disease.

NM_001267550.2(TTN):c.1537-18T>C

Gene: TTN (titin; minus strand). Cytogenetic location: 2q31.2.
Variant type: single nucleotide variant.
Coding change: c.1537-18T>C on transcript NM_001267550.2 (MANE Select); 18 bases into the intron before coding-DNA position 1537, T replaced by C.
Molecular consequence: intron variant.
Genome position (GRCh38, 1-based): chr2:178,792,215, A>G on the plus strand (T>C on the coding strand, the complement: TTN is on the minus strand). VCF-style: chr2-178792215-A-G. GRCh37 (hg19) VCF-style: chr2-179656942-A-G.
Other names: c.1537-18T>C (NM_003319.4, NM_133437.4, NM_133432.3 and 3 more transcripts).
Identifiers: ClinVar variation 379109 (VCV000379109.1), dbSNP rs1057520497, ClinGen allele CA16603950.